The following is an entry in ClinVar:

NM_024753.5(TTC21B):c.3032T>C (p.Met1011Thr)

Gene: TTC21B (tetratricopeptide repeat domain 21B; minus strand). Cytogenetic location: 2q24.3.
Variant type: single nucleotide variant.
Coding change: c.3032T>C on transcript NM_024753.5 (MANE Select); coding-DNA position 3032, T replaced by C.
Protein change: p.Met1011Thr; replaces methionine 1011 with threonine.
Molecular consequence: missense variant.
Genome position (GRCh38, 1-based): chr2:165,890,907, A>G on the plus strand (T>C on the coding strand, the complement: TTC21B is on the minus strand). VCF-style: chr2-165890907-A-G. GRCh37 (hg19) VCF-style: chr2-166747417-A-G.
Other names: c.3032T>C (NM_024753.4); short protein forms M1011T.
Identifiers: ClinVar variation 1447398 (VCV001447398.7), dbSNP rs777427926, ClinGen allele CA1941610.

ClinVar aggregate classification (germline): Uncertain significance. Review status: criteria provided, multiple submitters, no conflicts (2 of 4 stars). 3 submissions from 3 submitters: Uncertain significance (3). Last evaluated 2025-12-22.

Conditions:
Nephronophthisis 12 (NPHP12). Identifiers: Orphanet 655, MedGen C3151186, MONDO:0013442, OMIM 613820.
Asphyxiating thoracic dystrophy 4 (SRTD4). Also called: SHORT-RIB THORACIC DYSPLASIA 4 WITH OR WITHOUT POLYDACTYLY; SHORT-RIB THORACIC DYSPLASIA 4. Identifiers: Orphanet 474, MedGen C3151185, MONDO:0013441, OMIM 613819.
TTC21B-related disorder. Also called: TTC21B-related disorders; TTC21B-related condition.
Nephronophthisis. Also called: Juvenile Nephronophthisis. Identifiers: Orphanet 655, MedGen C0687120, MONDO:0019005, HP:0000090.
Jeune thoracic dystrophy. Also called: Jeune syndrome; Infantile thoracic dystrophy; Thoracic pelvic phalangeal dystrophy; Jeune's syndrome; Chondroectodermal dysplasia-like syndrome; Short-rib thoracic dysplasia. Identifiers: Orphanet 474, MedGen C0265275, MONDO:0018770.

Allele frequency attached by ClinVar (database versions not stated): gnomAD exomes 0.00001; ExAC 0.00002.

Submissions (3):

PreventionGenetics, part of Exact Sciences
Classification: Uncertain significance for TTC21B-related condition. Last evaluated: 2025-12-22. Review status: criteria provided, single submitter. Criteria: ACMG Guidelines, 2015. Collection method: clinical testing. Allele origin: germline.
Comment: The TTC21B c.3032T>C variant is predicted to result in the amino acid substitution p.Met1011Thr. This variant has been reported in the singly heterozygous status in an individual undergoing Joubert syndrome testing, but was stated to be unlikely the main explanation for disease due to previous reports of this gene's association with autosomal recessive inheritance (Srour et al. 2012. PubMed ID: 22425360). This variant is reported in 0.0027% of alleles in individuals of European (non-Finnish) descent in gnomAD. At this time, the clinical significance of this variant is uncertain due to the absence of conclusive functional and genetic evidence.

Fulgent Genetics
Classification: Uncertain significance for Asphyxiating thoracic dystrophy 4; Nephronophthisis 12. Last evaluated: 2024-04-23. Review status: criteria provided, single submitter. Criteria: ACMG Guidelines, 2015. Collection method: clinical testing. Allele origin: germline.

Labcorp Genetics (formerly Invitae), Labcorp
Classification: Uncertain significance for Jeune thoracic dystrophy; Nephronophthisis. Last evaluated: 2022-03-09. Review status: criteria provided, single submitter. Criteria: Invitae Variant Classification Sherloc (09022015). Collection method: clinical testing. Allele origin: germline.
Comment: This sequence change replaces methionine, which is neutral and non-polar, with threonine, which is neutral and polar, at codon 1011 of the TTC21B protein (p.Met1011Thr). This variant is present in population databases (rs777427926, gnomAD 0.003%). This variant has not been reported in the literature in individuals affected with TTC21B-related conditions. Algorithms developed to predict the effect of missense changes on protein structure and function (SIFT, PolyPhen-2, Align-GVGD) all suggest that this variant is likely to be tolerated. In summary, the available evidence is currently insufficient to determine the role of this variant in disease. Therefore, it has been classified as a Variant of Uncertain Significance.